The following is an entry in ClinVar:

ClinVar aggregate classification (germline): Uncertain significance (1 of 4 stars; one submission).

gnomAD v4.1: 1 of 1,613,804 alleles (0.000062%); highest among the groups gnomAD compares: African/African-American, 0.0013%; no homozygotes.

Submission:

GeneDx
Classification: Uncertain significance. Last evaluated: 2023-10-02. Review status: criteria provided, single submitter. Criteria: GeneDx Variant Classification Process June 2021. Collection method: clinical testing. Allele origin: germline. Affected: yes.
Comment: Not observed at significant frequency in large population cohorts (gnomAD); Nonsense variant predicted to result in protein truncation as the last 10 amino acids are lost, although loss-of-function variants have not been reported downstream of this position in the protein; Has not been previously published as pathogenic or benign to our knowledge

NM_031448.6(C19orf12):c.394G>T (p.Glu132Ter)

Gene: C19orf12 (chromosome 19 open reading frame 12; minus strand). Cytogenetic location: 19q12.
Variant type: single nucleotide variant.
Coding change: c.394G>T on transcript NM_031448.6 (MANE Select); coding-DNA position 394, G replaced by T.
Protein change: p.Glu132Ter; replaces glutamic acid 132 with a stop codon.
Molecular consequence: nonsense. On other transcripts: 3 prime UTR variant (1).
Genome position (GRCh38, 1-based): chr19:29,702,744, C>A on the plus strand (G>T on the coding strand, the complement: C19orf12 is on the minus strand). VCF-style: chr19-29702744-C-A. GRCh37 (hg19) VCF-style: chr19-30193651-C-A.
Other names: c.394G>T, p.Glu132Ter (NM_001031726.4, NM_001256047.2); c.*15G>T (NM_001256046.3); c.202G>T, p.Glu68Ter (NM_001282929.1, NM_001282930.3, NM_001282931.3); short protein forms E132*, E68*.
Identifiers: ClinVar variation 3252298 (VCV003252298.1), dbSNP rs1470139009.
Genomic context (GRCh38, chr19:29,702,744, plus strand): 5'-GGGCCCCCCACCTCCCCGGAGGTGCGGCCTAGTCATCATACTGGATCTCGGCCCGCAGCT[C>A]CTTGGTGACGTAGTTCACCAGCATGGCCAGCAGCTGCTGCTGCAGGGCCTCGCTGCCCAT-3'